The following is an entry in ClinVar:

ClinVar aggregate classification (germline): Pathogenic (1 of 4 stars; one submission).

Conditions:
Hereditary spastic paraplegia 4. Also called: Spastic Paraplegia 4; Familial spastic paraplegia autosomal dominant 2; Spastic paraplegia 4, autosomal dominant. Identifiers: Orphanet 100985, MedGen C1866855, MONDO:0008438, OMIM 182601.

Submission:

Juno Genomics, Hangzhou Juno Genomics, Inc
Classification: Pathogenic for Hereditary spastic paraplegia 4. Review status: criteria provided, single submitter. Criteria: ACMG Guidelines, 2015. Collection method: clinical testing. Allele origin: germline. Affected: yes.
Comment: Absent from controls (or at extremely low frequency if recessive) in Genome Aggregation Database, Exome Sequencing Project, 1000 Genomes Project, or Exome Aggregation Consortium.;Null variant in a gene where loss of function (LOF) is a known mechanism of disease.;Patient's phenotype or family history is highly specific for a disease with a single genetic etiology.

NM_014946.4(SPAST):c.1616+1G>T

Gene: SPAST (spastin; plus strand). Cytogenetic location: 2p22.3.
Variant type: single nucleotide variant.
Coding change: c.1616+1G>T on transcript NM_014946.4 (MANE Select); the canonical splice donor site of the intron after coding-DNA position 1616, G replaced by T.
Molecular consequence: splice donor variant.
Genome position (GRCh38, 1-based): chr2:32,143,416, G>T. VCF-style: chr2-32143416-G-T. GRCh37 (hg19) VCF-style: chr2-32368485-G-T.
Other names: c.1520+1G>T (NM_199436.2, NM_001377959.1); c.1613+1G>T (NM_001363823.2); c.1517+1G>T (NM_001363875.2).
Identifiers: ClinVar variation 3382222 (VCV003382222.2).